The following is an entry in ClinVar:

NM_004991.4(MECOM):c.1658A>T (p.Asp553Val)

Gene: MECOM (MDS1 and EVI1 complex locus; minus strand). Cytogenetic location: 3q26.2.
Variant type: single nucleotide variant.
Coding change: c.1658A>T on transcript NM_004991.4 (MANE Select); coding-DNA position 1658, A replaced by T.
Protein change: p.Asp553Val; replaces aspartic acid 553 with valine.
Molecular consequence: missense variant. On other transcripts: intron variant (2).
Genome position (GRCh38, 1-based): chr3:169,116,214, T>A on the plus strand (A>T on the coding strand, the complement: MECOM is on the minus strand). VCF-style: chr3-169116214-T-A. GRCh37 (hg19) VCF-style: chr3-168834002-T-A.
Other names: c.1289A>T, p.Asp430Val (NM_001105077.4); c.1094A>T, p.Asp365Val (NM_001105078.4, NM_001164000.2, NM_001205194.2 and 4 more transcripts); c.1097A>T, p.Asp366Val (NM_001163999.2, NM_001366467.2, NM_001366468.2 and 1 more transcripts); c.1658A>T, p.Asp553Val (NM_001366466.2); c.1133-447A>T (NM_001366473.2); c.569-447A>T (NM_001366474.2); short protein forms D366V, D365V, D430V, D553V.
Identifiers: ClinVar variation 4053102 (VCV004053102.1).

ClinVar aggregate classification (germline): Uncertain significance (1 of 4 stars; one submission).

Conditions:
Inborn genetic diseases. Identifiers: MedGen C0950123, MeSH D030342.

Submission:

Ambry Genetics
Classification: Uncertain significance for Inborn genetic diseases. Last evaluated: 2025-03-27. Review status: criteria provided, single submitter. Criteria: Ambry Variant Classification Scheme 2023. Collection method: clinical testing. Allele origin: germline.
Comment: The p.D553V variant (also known as c.1658A>T), located in coding exon 8 of the MECOM gene, results from an A to T substitution at nucleotide position 1658. The aspartic acid at codon 553 is replaced by valine, an amino acid with highly dissimilar properties. This amino acid position is conserved. In addition, this alteration is predicted to be tolerated by in silico analysis. Based on the available evidence, the clinical significance of this variant remains unclear.